The following is an entry in ClinVar:

NM_000051.4(ATM):c.2938del (p.Tyr980fs)

Gene: ATM (ATM serine/threonine kinase; plus strand). Cytogenetic location: 11q22.3.
Variant type: Deletion.
Coding change: c.2938del on transcript NM_000051.4 (MANE Select); coding-DNA position 2938, one base deleted (T; older notation c.2938delT).
Protein change: p.Tyr980fs; shifts the reading frame from tyrosine 980.
Molecular consequence: frameshift variant.
Genome position (GRCh38, 1-based): chr11:108,271,267, T deleted. VCF-style (leftmost placement, unchanged base first): chr11-108271266-GT-G. GRCh37 (hg19) VCF-style: chr11-108141993-GT-G.
Other names: c.2938del, p.Tyr980fs (NM_001351834.2); c.2938delT (NM_000051.3); short protein forms Y980fs.
Identifiers: ClinVar variation 578804 (VCV000578804.16), dbSNP rs1565425118, ClinGen allele CA891842962.

ClinVar aggregate classification (germline): Pathogenic. Review status: criteria provided, multiple submitters, no conflicts (2 of 4 stars). 4 submissions from 4 submitters: Pathogenic (4). Last evaluated 2024-06-24.

Conditions:
Hereditary cancer-predisposing syndrome. Also called: Hereditary neoplastic syndrome; Tumor predisposition; Hereditary Cancer Syndrome; Neoplastic Syndromes, Hereditary. Identifiers: Orphanet 140162, MedGen C0027672, MeSH D009386, MONDO:0015356.
Ataxia-telangiectasia syndrome (AT). Also called: Cerebello-oculocutaneous telangiectasia; Immunodeficiency with ataxia telangiectasia; Ataxia telangiectasia (A-T); Ataxia-telangiectasia, complementation group E; LOUIS-BAR SYNDROME; Ataxia-telangiectasia. Identifiers: Orphanet 100, MedGen C0004135, MONDO:0008840, OMIM 208900.
Familial cancer of breast. Also called: hereditary breast carcinoma; BREAST CANCER, FAMILIAL; Hereditary breast cancer. Identifiers: Orphanet 227535, MedGen C0346153, MONDO:0016419, OMIM 114480. Disease mechanism: loss of function.

Allele frequency attached by ClinVar (database versions not stated): gnomAD exomes below 0.00001; TOPMed below 0.00001.

Submissions (4):

Ambry Genetics
Classification: Pathogenic for Hereditary cancer-predisposing syndrome. Last evaluated: 2024-06-24. Review status: criteria provided, single submitter. Criteria: Ambry Variant Classification Scheme 2023. Collection method: clinical testing. Allele origin: germline.
Comment: The c.2938delT pathogenic mutation, located in coding exon 19 of the ATM gene, results from a deletion of one nucleotide at nucleotide position 2938, causing a translational frameshift with a predicted alternate stop codon (p.Y980Ifs*12). This variant is considered to be rare based on population cohorts in the Genome Aggregation Database (gnomAD). This alteration is expected to result in loss of function by premature protein truncation or nonsense-mediated mRNA decay. As such, this alteration is interpreted as a disease-causing mutation.

Myriad Genetics, Inc.
Classification: Pathogenic for Familial cancer of breast. Last evaluated: 2024-01-18. Review status: criteria provided, single submitter. Criteria: Myriad Autosomal Dominant, Autosomal Recessive and X-Linked Classification Criteria (2023). Collection method: clinical testing. Allele origin: unknown.
Comment: This variant is considered pathogenic. This variant creates a frameshift predicted to result in premature protein truncation.

Labcorp Genetics (formerly Invitae), Labcorp
Classification: Pathogenic for Ataxia-telangiectasia syndrome. Last evaluated: 2023-01-05. Review status: criteria provided, single submitter. Criteria: Invitae Variant Classification Sherloc (09022015). Collection method: clinical testing. Allele origin: germline.
Comment: For these reasons, this variant has been classified as Pathogenic. ClinVar contains an entry for this variant (Variation ID: 578804). This variant has not been reported in the literature in individuals affected with ATM-related conditions. This variant is not present in population databases (gnomAD no frequency). This sequence change creates a premature translational stop signal (p.Tyr980Ilefs*12) in the ATM gene. It is expected to result in an absent or disrupted protein product. Loss-of-function variants in ATM are known to be pathogenic (PMID: 23807571, 25614872).

Color Diagnostics, LLC DBA Color Health
Classification: Pathogenic for Hereditary cancer-predisposing syndrome. Last evaluated: 2020-05-08. Review status: criteria provided, single submitter. Criteria: ACMG Guidelines, 2015. Collection method: clinical testing. Allele origin: germline.
Comment: This variant deletes 1 nucleotide in exon 20 of the ATM gene, creating a frameshift and premature translation stop signal. This variant is expected to result in an absent or non-functional protein product. To our knowledge, this variant has not been reported in individuals affected with hereditary cancer in the literature. This variant has not been identified in the general population by the Genome Aggregation Database (gnomAD). Loss of ATM function is a known mechanism of disease. Based on the available evidence, this variant is classified as Pathogenic.

Literature cited by the submitters: PubMed 23807571 (cited by Labcorp Genetics (formerly Invitae), Labcorp); PubMed 25614872 (cited by Labcorp Genetics (formerly Invitae), Labcorp).